The following is an entry in ClinVar:

ClinVar aggregate classification (germline): Uncertain significance (1 of 4 stars; one submission).

Conditions:
Cardiovascular phenotype. Identifiers: MedGen CN230736.

Allele frequency attached by ClinVar (database versions not stated): TOPMed below 0.00001.
gnomAD v4.1: 29 of 1,550,260 alleles (0.0019%); highest among the groups gnomAD compares: African/African-American, 0.0027%; no homozygotes.

Submission:

Ambry Genetics
Classification: Uncertain significance for Cardiovascular phenotype. Last evaluated: 2022-07-23. Review status: criteria provided, single submitter. Criteria: Ambry Variant Classification Scheme 2023. Collection method: clinical testing. Allele origin: germline.
Comment: The p.T1754I variant (also known as c.5261C>T), located in coding exon 2 of the ZNF469 gene, results from a C to T substitution at nucleotide position 5261. The threonine at codon 1754 is replaced by isoleucine, an amino acid with similar properties. This amino acid position is conserved. In addition, this alteration is predicted to be tolerated by in silico analysis. Since supporting evidence is limited at this time, the clinical significance of this alteration remains unclear.

NM_001367624.2(ZNF469):c.5345C>T (p.Thr1782Ile)

Gene: ZNF469 (zinc finger protein 469; plus strand). Cytogenetic location: 16q24.2.
Variant type: single nucleotide variant.
Coding change: c.5345C>T on transcript NM_001367624.2 (MANE Select); coding-DNA position 5345, C replaced by T.
Protein change: p.Thr1782Ile; replaces threonine 1782 with isoleucine.
Molecular consequence: missense variant.
Genome position (GRCh38, 1-based): chr16:88,432,815, C>T. VCF-style: chr16-88432815-C-T. GRCh37 (hg19) VCF-style: chr16-88499223-C-T.
Other names: NM_001127464.1:c.5261C>T; short protein forms T1782I.
Identifiers: ClinVar variation 1746450 (VCV001746450.2), dbSNP rs946453796, ClinGen allele CA286377392.
Genomic context (GRCh38, chr16:88,432,815, plus strand): 5'-AAGACTCCCTGCGGCTGCTTCCCTGTGAACAGAGAGGAGGGTTCCTCCCAGAGCCCGGCA[C>T]AGCAGACCAGCCCCACCGAGGGGCCCCTGCTCCAGAAGCTTTTGGCAGCCCTGCTGTCCA-3'
Protein context (NP_001354553.1, residues 1772-1792): QRGGFLPEPG[Thr1782Ile]ADQPHRGAPA